The following is an entry in ClinVar:

ClinVar aggregate classification (germline): Uncertain significance. Review status: criteria provided, multiple submitters, no conflicts (2 of 4 stars). 3 submissions from 3 submitters: Uncertain significance (3). Last evaluated 2026-04-07.

Conditions:
Cardiovascular phenotype. Identifiers: MedGen CN230736.

gnomAD v4.1: 7 of 1,550,242 alleles (0.00045%); highest among the groups gnomAD compares: African/African-American, 0.0068%; no homozygotes.

Submissions (3):

Women's Health and Genetics/Laboratory Corporation of America, LabCorp
Classification: Uncertain significance. Last evaluated: 2026-04-07. Review status: criteria provided, single submitter. Criteria: LabCorp Variant Classification Summary - May 2015. Collection method: clinical testing. Allele origin: germline.

Ambry Genetics
Classification: Uncertain significance for Cardiovascular phenotype. Last evaluated: 2024-11-19. Review status: criteria provided, single submitter. Criteria: Ambry Variant Classification Scheme 2023. Collection method: clinical testing. Allele origin: germline.

Labcorp Genetics (formerly Invitae), Labcorp
Classification: Uncertain significance. Last evaluated: 2021-10-07. Review status: criteria provided, single submitter. Criteria: Invitae Variant Classification Sherloc (09022015). Collection method: clinical testing. Allele origin: germline.
Comment: This sequence change replaces proline with alanine at codon 2564 of the ZNF469 protein (p.Pro2564Ala). The proline residue is moderately conserved and there is a small physicochemical difference between proline and alanine. This variant is not present in population databases (ExAC no frequency). This variant has not been reported in the literature in individuals affected with ZNF469-related conditions. Algorithms developed to predict the effect of missense changes on protein structure and function output the following: SIFT: "Tolerated"; PolyPhen-2: "Benign"; Align-GVGD: "Class C0". The alanine amino acid residue is found in multiple mammalian species, which suggests that this missense change does not adversely affect protein function. In summary, the available evidence is currently insufficient to determine the role of this variant in disease. Therefore, it has been classified as a Variant of Uncertain Significance.

NM_001367624.2(ZNF469):c.7774C>G (p.Pro2592Ala)

Gene: ZNF469 (zinc finger protein 469; plus strand). Cytogenetic location: 16q24.2.
Variant type: single nucleotide variant.
Coding change: c.7774C>G on transcript NM_001367624.2 (MANE Select); coding-DNA position 7774, C replaced by G.
Protein change: p.Pro2592Ala; replaces proline 2592 with alanine.
Molecular consequence: missense variant.
Genome position (GRCh38, 1-based): chr16:88,435,244, C>G. VCF-style: chr16-88435244-C-G. GRCh37 (hg19) VCF-style: chr16-88501652-C-G.
Other names: NM_001127464.1:c.7690C>G; short protein forms P2592A.
Identifiers: ClinVar variation 1465018 (VCV001465018.6), dbSNP rs1301807412, ClinGen allele CA397114738.